The following is an entry in ClinVar:

ClinVar aggregate classification (germline): Uncertain significance (1 of 4 stars; one submission).

Submission:

Labcorp Genetics (formerly Invitae), Labcorp
Classification: Uncertain significance. Last evaluated: 2024-05-10. Review status: criteria provided, single submitter. Criteria: Invitae Variant Classification Sherloc (09022015). Collection method: clinical testing. Allele origin: germline.
Comment: This sequence change replaces serine, which is neutral and polar, with arginine, which is basic and polar, at codon 156 of the NSMF protein (p.Ser156Arg). This variant is not present in population databases (gnomAD no frequency). This variant has not been reported in the literature in individuals affected with NSMF-related conditions. Advanced modeling of protein sequence and biophysical properties (such as structural, functional, and spatial information, amino acid conservation, physicochemical variation, residue mobility, and thermodynamic stability) performed at Invitae indicates that this missense variant is not expected to disrupt NSMF protein function with a negative predictive value of 80%. In summary, the available evidence is currently insufficient to determine the role of this variant in disease. Therefore, it has been classified as a Variant of Uncertain Significance.

NM_001130969.3(NSMF):c.468C>G (p.Ser156Arg)

Gene: NSMF (NMDA receptor synaptonuclear signaling and neuronal migration factor; minus strand). Cytogenetic location: 9q34.3.
Variant type: single nucleotide variant.
Coding change: c.468C>G on transcript NM_001130969.3 (MANE Select); coding-DNA position 468, C replaced by G.
Protein change: p.Ser156Arg; replaces serine 156 with arginine.
Molecular consequence: missense variant.
Genome position (GRCh38, 1-based): chr9:137,457,567, G>C on the plus strand (C>G on the coding strand, the complement: NSMF is on the minus strand). VCF-style: chr9-137457567-G-C. GRCh37 (hg19) VCF-style: chr9-140352019-G-C.
Other names: c.468C>G, p.Ser156Arg (NM_001130970.2, NM_001130971.2, NM_001178064.2 and 1 more transcripts); short protein forms S156R.
Identifiers: ClinVar variation 3700400 (VCV003700400.2).
Genomic context (GRCh38, chr9:137,457,567, plus strand): 5'-GCCAGGAGCCAGCTGGGCACATCCGGGGCACTCCTTGGAGCCCTGGCGGCTGCCCGCCCA[G>C]CTCTGGCAGGGCCTGCTGACGTCCTCCCGGCTGCCACCAGGGCTGGCGCGCAGGGGCTGG-3'
Protein context (NP_001124441.1, residues 146-166): SREDVSRPCQ[Ser156Arg]WAGSRQGSKE